The following is an entry in ClinVar:

ClinVar aggregate classification (germline): Uncertain significance (1 of 4 stars; one submission).

Submission:

Ambry Genetics
Classification: Uncertain significance. Last evaluated: 2026-07-30. Review status: criteria provided, single submitter. Criteria: Ambry Variant Classification Scheme 2023. Collection method: clinical testing. Allele origin: germline.
Comment: The c.860dupT (p.L287Ffs*6) alteration, located in exon 6 (coding exon 5) of the RALGAPB gene, consists of a duplication of T at position 860, causing a translational frameshift with a predicted alternate stop codon after 6 amino acids. This variant is expected to result in premature protein truncation or nonsense-mediated mRNA decay. However, loss of function of RALGAPB has not been established as a mechanism of disease. This variant was not reported in population-based cohorts in the Genome Aggregation Database (gnomAD). Based on insufficient or conflicting evidence, the clinical significance of this alteration remains unclear.

Literature cited by the submitters: PubMed 28106320.

NM_020336.4(RALGAPB):c.860dup (p.Leu287fs)

Gene: RALGAPB (Ral GTPase activating protein non-catalytic subunit beta; plus strand). Cytogenetic location: 20q11.23.
Variant type: Duplication.
Coding change: c.860dup on transcript NM_020336.4 (MANE Select); coding-DNA position 860, one base duplicated (T; older notation c.860dupT).
Protein change: p.Leu287fs; shifts the reading frame from leucine 287.
Molecular consequence: frameshift variant.
Genome position (GRCh38, 1-based): chr20:38,509,196, T duplicated; the last of 5 consecutive T bases (chr20:38,509,192-38,509,196); duplicating any one gives the same sequence. VCF-style (leftmost placement, unchanged base first): chr20-38509191-C-CT. GRCh37 (hg19) VCF-style: chr20-37137834-C-CT.
Other names: c.860dup, p.Leu287fs (NM_001282917.2, NM_001282918.2); short protein forms L287fs.
Identifiers: ClinVar variation 5027865 (VCV005027865.1).